The following is an entry in ClinVar:

NM_001848.3(COL6A1):c.903+2_903+10del

Gene: COL6A1 (collagen type VI alpha 1 chain; plus strand). Cytogenetic location: 21q22.3.
Variant type: Deletion.
Coding change: c.903+2_903+10del on transcript NM_001848.3 (MANE Select); the canonical splice donor site of the intron after coding-DNA position 903 through 10 bases into the intron after coding-DNA position 903, 9 bases deleted (TACGTGCCC; older notation c.903+2_903+10delTACGTGCCC).
Molecular consequence: splice donor variant.
Genome position (GRCh38, 1-based): chr21:45,989,654-45,989,662, TACGTGCCC deleted. VCF-style (leftmost placement, unchanged base first): chr21-45989653-GTACGTGCCC-G. GRCh37 (hg19) VCF-style: chr21-47409567-GTACGTGCCC-G.
Identifiers: ClinVar variation 2813683 (VCV002813683.3), dbSNP rs2526321843, ClinGen allele CA2739265633.

ClinVar aggregate classification (germline): Pathogenic (1 of 4 stars; one submission).

Conditions:
Bethlem myopathy 1A. Also called: Bethlem myopathy 1; MYOPATHY, BENIGN CONGENITAL, WITH CONTRACTURES; Bethlem Muscular Dystrophy. Identifiers: Orphanet 610, MedGen CN029274, MONDO:0024530, OMIM 158810.

Submission:

Labcorp Genetics (formerly Invitae), Labcorp
Classification: Pathogenic for Bethlem myopathy 1A. Last evaluated: 2023-09-12. Review status: criteria provided, single submitter. Criteria: Invitae Variant Classification Sherloc (09022015). Collection method: clinical testing. Allele origin: germline.
Comment: For these reasons, this variant has been classified as Pathogenic. Algorithms developed to predict the effect of sequence changes on RNA splicing suggest that this variant may disrupt the consensus splice site. Disruption of this splice site has been observed in individual(s) with COL6A1-related conditions (Invitae). In at least one individual the variant was observed to be de novo. This variant is not present in population databases (gnomAD no frequency). This sequence change affects a splice site in intron 10 of the COL6A1 gene. It is expected to disrupt RNA splicing. Variants that disrupt the donor or acceptor splice site typically lead to a loss of protein function (PMID: 16199547), and loss-of-function variants in COL6A1 are known to be disease-causing for autosomal recessive COL6A1-related conditions (PMID: 21280092, 20976770). However, certain variants affecting donor or acceptor splice sites in the triple helical domain of COL6A1 are expected to result in in-frame exon skipping and have been reported to cause autosomal dominant COL6A1-related conditions (PMID: 18366090).

Literature cited by the submitters: PubMed 16199547; PubMed 21280092; PubMed 20976770; PubMed 18366090.